The following is an entry in ClinVar:

NM_004360.5(CDH1):c.1630A>T (p.Thr544Ser)

Gene: CDH1 (cadherin 1; plus strand). Cytogenetic location: 16q22.1.
Variant type: single nucleotide variant.
Coding change: c.1630A>T on transcript NM_004360.5 (MANE Select); coding-DNA position 1630, A replaced by T.
Protein change: p.Thr544Ser; replaces threonine 544 with serine.
Molecular consequence: missense variant. On other transcripts: intron variant (1).
Genome position (GRCh38, 1-based): chr16:68,819,344, A>T. VCF-style: chr16-68819344-A-T. GRCh37 (hg19) VCF-style: chr16-68853247-A-T.
Other names: c.1630A>T (LRG_301t1); c.1447A>T, p.Thr483Ser (NM_001317184.2); c.82A>T, p.Thr28Ser (NM_001317185.2); c.-254-2657A>T (NM_001317186.2); short protein forms T544S, T28S, T483S.
Identifiers: ClinVar variation 185349 (VCV000185349.7), dbSNP rs786202107, ClinGen allele CA191699.

ClinVar aggregate classification (germline): Conflicting classifications of pathogenicity. Review status: criteria provided, conflicting classifications (1 of 4 stars). 2 submissions from 2 submitters: Uncertain significance (1); Likely benign (1). Last evaluated 2025-06-24.

Conditions:
Hereditary cancer-predisposing syndrome. Also called: Tumor predisposition; Hereditary Cancer Syndrome; Hereditary neoplastic syndrome; Neoplastic Syndromes, Hereditary. Identifiers: Orphanet 140162, MedGen C0027672, MeSH D009386, MONDO:0015356.
Hereditary diffuse gastric adenocarcinoma (HDGC). Also called: DIFFUSE GASTRIC AND LOBULAR BREAST CANCER SYNDROME. Identifiers: Orphanet 26106, MedGen C1708349, MONDO:0007648, OMIM 137215.

Submissions (2):

Labcorp Genetics (formerly Invitae), Labcorp
Classification: Uncertain significance for Hereditary diffuse gastric adenocarcinoma. Last evaluated: 2025-06-24. Review status: criteria provided, single submitter. Criteria: Invitae Variant Classification Sherloc (09022015). Collection method: clinical testing. Allele origin: germline.
Comment: This sequence change replaces threonine, which is neutral and polar, with serine, which is neutral and polar, at codon 544 of the CDH1 protein (p.Thr544Ser). This variant is not present in population databases (gnomAD no frequency). This variant has not been reported in the literature in individuals affected with CDH1-related conditions. ClinVar contains an entry for this variant (Variation ID: 185349). An algorithm developed to predict the effect of missense changes on protein structure and function (PolyPhen-2) suggests that this variant is likely to be tolerated. In summary, the available evidence is currently insufficient to determine the role of this variant in disease. Therefore, it has been classified as a Variant of Uncertain Significance.

Ambry Genetics
Classification: Likely benign for Hereditary cancer-predisposing syndrome. Last evaluated: 2024-10-29. Review status: criteria provided, single submitter. Criteria: Ambry Variant Classification Scheme 2023. Collection method: clinical testing. Allele origin: germline.